The following is an entry in ClinVar:

ClinVar aggregate classification (germline): Uncertain significance (1 of 4 stars; one submission).

Submission:

Labcorp Genetics (formerly Invitae), Labcorp
Classification: Uncertain significance. Last evaluated: 2023-04-24. Review status: criteria provided, single submitter. Criteria: Invitae Variant Classification Sherloc (09022015). Collection method: clinical testing. Allele origin: germline.
Comment: In summary, the available evidence is currently insufficient to determine the role of this variant in disease. Therefore, it has been classified as a Variant of Uncertain Significance. Algorithms developed to predict the effect of sequence changes on RNA splicing suggest that this variant may disrupt the consensus splice site. ClinVar contains an entry for this variant (Variation ID: 2033997). This variant has not been reported in the literature in individuals affected with HMCN1-related conditions. This variant is not present in population databases (gnomAD no frequency). This sequence change affects a donor splice site in intron 25 of the HMCN1 gene. It is expected to disrupt RNA splicing. Variants that disrupt the donor or acceptor splice site typically lead to a loss of protein function (PMID: 16199547), however the current clinical and genetic evidence is not sufficient to establish whether loss-of-function variants in HMCN1 cause disease.

Literature cited by the submitters: PubMed 16199547.

NM_031935.3(HMCN1):c.3874+1G>A

Gene: HMCN1 (hemicentin 1; plus strand). Cytogenetic location: 1q31.1.
Variant type: single nucleotide variant.
Coding change: c.3874+1G>A on transcript NM_031935.3 (MANE Select); the canonical splice donor site of the intron after coding-DNA position 3874, G replaced by A.
Molecular consequence: splice donor variant.
Genome position (GRCh38, 1-based): chr1:185,997,525, G>A. VCF-style: chr1-185997525-G-A. GRCh37 (hg19) VCF-style: chr1-185966657-G-A.
Identifiers: ClinVar variation 2033997 (VCV002033997.4), dbSNP rs2527430427, ClinGen allele CA343873455.